The following is an entry in ClinVar:

NM_001710.6(CFB):c.1647G>C (p.Glu549Asp)

Gene: CFB (complement factor B; plus strand). Cytogenetic location: 6p21.33.
Variant type: single nucleotide variant.
Coding change: c.1647G>C on transcript NM_001710.6 (MANE Select); coding-DNA position 1647, G replaced by C.
Protein change: p.Glu549Asp; replaces glutamic acid 549 with aspartic acid.
Molecular consequence: missense variant.
Genome position (GRCh38, 1-based): chr6:31,950,641, G>C. VCF-style: chr6-31950641-G-C. GRCh37 (hg19) VCF-style: chr6-31918418-G-C.
Other names: short protein forms E549D.
Identifiers: ClinVar variation 2786971 (VCV002786971.3), dbSNP rs771770314, ClinGen allele CA363408651.

ClinVar aggregate classification (germline): Uncertain significance (1 of 4 stars; one submission).

Submission:

Labcorp Genetics (formerly Invitae), Labcorp
Classification: Uncertain significance. Last evaluated: 2023-06-22. Review status: criteria provided, single submitter. Criteria: Invitae Variant Classification Sherloc (09022015). Collection method: clinical testing. Allele origin: germline.
Comment: This variant has not been reported in the literature in individuals affected with CFB-related conditions. Advanced modeling of protein sequence and biophysical properties (such as structural, functional, and spatial information, amino acid conservation, physicochemical variation, residue mobility, and thermodynamic stability) performed at Invitae indicates that this missense variant is not expected to disrupt CFB protein function. In summary, the available evidence is currently insufficient to determine the role of this variant in disease. Therefore, it has been classified as a Variant of Uncertain Significance. This variant is not present in population databases (gnomAD no frequency). This sequence change replaces glutamic acid, which is acidic and polar, with aspartic acid, which is acidic and polar, at codon 549 of the CFB protein (p.Glu549Asp).